The following is an entry in ClinVar:

ClinVar aggregate classification (germline): Likely pathogenic (1 of 4 stars; one submission).

Conditions:
Dilated cardiomyopathy 1G (CMD1G). Identifiers: Orphanet 154, MedGen C1858763, MONDO:0011400, OMIM 604145.
Autosomal recessive limb-girdle muscular dystrophy type 2J (LGMDR10). Also called: MUSCULAR DYSTROPHY, LIMB-GIRDLE, AUTOSOMAL RECESSIVE 10; Limb-girdle muscular dystrophy, type 2J. Identifiers: Orphanet 140922, MedGen C1837342, MONDO:0012127, OMIM 608807.

Submission:

Labcorp Genetics (formerly Invitae), Labcorp
Classification: Likely pathogenic for Dilated cardiomyopathy 1G; Autosomal recessive limb-girdle muscular dystrophy type 2J. Last evaluated: 2024-10-18. Review status: criteria provided, single submitter. Criteria: Invitae Variant Classification Sherloc (09022015). Collection method: clinical testing. Allele origin: germline.
Comment: This sequence change creates a premature translational stop signal (p.Glu7510*) in the TTN gene. While this is not anticipated to result in nonsense mediated decay, it is expected to create a truncated TTN protein. This variant is not present in population databases (gnomAD no frequency). This variant has not been reported in the literature in individuals affected with TTN-related conditions. ClinVar contains an entry for this variant (Variation ID: 2001068). Algorithms developed to predict the effect of sequence changes on RNA splicing suggest that this variant may disrupt the consensus splice site. This variant is located in the I band of TTN (PMID: 25589632). Truncating variants in this region have been reported in individuals affected with autosomal recessive centronuclear myopathy (PMID: 23975875, internal data). Truncating variants in this region have also been identified in individuals affected with autosomal dominant dilated cardiomyopathy and/or cardio-related conditions (PMID: 27869827, 32964742, internal data). In summary, the currently available evidence indicates that the variant is pathogenic, but additional data are needed to prove that conclusively. Therefore, this variant has been classified as Likely Pathogenic.

Literature cited by the submitters: PubMed 25589632; PubMed 23975875; PubMed 27869827; PubMed 32964742.

NM_001267550.2(TTN):c.22528G>T (p.Glu7510Ter)

Gene: TTN (titin; minus strand). Cytogenetic location: 2q31.2.
Variant type: single nucleotide variant.
Coding change: c.22528G>T on transcript NM_001267550.2 (MANE Select); coding-DNA position 22528, G replaced by T.
Protein change: p.Glu7510Ter; replaces glutamic acid 7510 with a stop codon.
Molecular consequence: nonsense. On other transcripts: intron variant (3).
Genome position (GRCh38, 1-based): chr2:178,722,259, C>A on the plus strand (G>T on the coding strand, the complement: TTN is on the minus strand). VCF-style: chr2-178722259-C-A. GRCh37 (hg19) VCF-style: chr2-179586986-C-A.
Other names: c.21577G>T, p.Glu7193Ter (NM_001256850.1); c.18796G>T, p.Glu6266Ter (NM_133378.4); c.13282+15823G>T (NM_003319.4); c.13858+15823G>T (NM_133437.4); c.13657+15823G>T (NM_133432.3); short protein forms E7510*, E7193*, E6266*.
Identifiers: ClinVar variation 2001068 (VCV002001068.4), dbSNP rs2529480434, ClinGen allele CA349525060.